The following is an entry in ClinVar:

NM_000484.4(APP):c.1435G>A (p.Ala479Thr)

Gene: APP (amyloid beta precursor protein; minus strand). Cytogenetic location: 21q21.3.
Variant type: single nucleotide variant.
Coding change: c.1435G>A on transcript NM_000484.4 (MANE Select); coding-DNA position 1435, G replaced by A.
Protein change: p.Ala479Thr; replaces alanine 479 with threonine.
Molecular consequence: missense variant.
Genome position (GRCh38, 1-based): chr21:25,975,093, C>T on the plus strand (G>A on the coding strand, the complement: APP is on the minus strand). VCF-style: chr21-25975093-C-T. GRCh37 (hg19) VCF-style: chr21-27347406-C-T.
Other names: c.1363G>A, p.Ala455Thr (NM_001136016.3); c.1042G>A, p.Ala348Thr (NM_001136129.3); c.1267G>A, p.Ala423Thr (NM_001136130.3, NM_001385253.1); c.1105G>A, p.Ala369Thr (NM_001136131.3); c.1435G>A, p.Ala479Thr (NM_001204301.2); c.1378G>A, p.Ala460Thr (NM_001204302.2, NM_201413.3); c.1210G>A, p.Ala404Thr (NM_001204303.2, NM_201414.3); short protein forms A348T, A369T, A404T, A423T, A455T, A460T, A479T.
Identifiers: ClinVar variation 4848149 (VCV004848149.1).

ClinVar aggregate classification (germline): Uncertain significance (1 of 4 stars; one submission).

gnomAD v4.1: 3 of 1,614,068 alleles (0.00019%); highest among the groups gnomAD compares: Non-Finnish European, 0.00025%; no homozygotes.

Submission:

Women's Health and Genetics/Laboratory Corporation of America, LabCorp
Classification: Uncertain significance. Last evaluated: 2026-02-27. Review status: criteria provided, single submitter. Criteria: LabCorp Variant Classification Summary - May 2015. Collection method: clinical testing. Allele origin: germline.
Comment: Variant summary: APP c.1435G>A (p.Ala479Thr) results in a non-conservative amino acid change in the encoded protein sequence. Algorithms developed to predict the effect of missense changes on protein structure and function are either unavailable or do not agree on the potential impact of this missense change. The variant was absent in 251024 control chromosomes. The available data on variant occurrences in the general population are insufficient to allow any conclusion about variant significance. To our knowledge, no occurrence of c.1435G>A in individuals affected with APP-related conditions and no experimental evidence demonstrating its impact on protein function have been reported. No submitters have cited clinical-significance assessments for this variant to ClinVar. Based on the evidence outlined above, the variant was classified as uncertain significance.